The following is an entry in ClinVar:

NM_002739.5(PRKCG):c.170+1del

Gene: PRKCG (protein kinase C gamma; plus strand). Cytogenetic location: 19q13.42.
Variant type: Deletion.
Coding change: c.170+1del on transcript NM_002739.5 (MANE Select); the canonical splice donor site of the intron after coding-DNA position 170, one base deleted (G; older notation c.170+1delG).
Molecular consequence: splice donor variant.
Genome position (GRCh38, 1-based): chr19:53,882,665, G deleted; the last of 2 consecutive G bases (chr19:53,882,664-53,882,665); deleting either gives the same sequence. VCF-style (leftmost placement, unchanged base first): chr19-53882663-TG-T. GRCh37 (hg19) VCF-style: chr19-54385917-TG-T.
Other names: c.170+1del (NM_001316329.2).
Identifiers: ClinVar variation 4999396 (VCV004999396.1).

ClinVar aggregate classification (germline): Uncertain significance (1 of 4 stars; one submission).

Conditions:
PRKCG-related disorder. Also called: PRKCG-related condition.

Submission:

PreventionGenetics, part of Exact Sciences
Classification: Uncertain significance for PRKCG-related condition. Last evaluated: 2025-01-17. Review status: criteria provided, single submitter. Criteria: ACMG Guidelines, 2015. Collection method: clinical testing. Allele origin: germline.
Comment: The PRKCG c.170+1delG variant is predicted to result in a deletion affecting a canonical splice site. This variant is predicted to alter splicing based on available splicing prediction software (SpliceAI, Jaganathan et al. 2019. PubMed ID: 30661751). To our knowledge, this variant has not been reported in the literature or in a large population database (gnomAD), indicating this variant is rare. Although we suspect that this variant may be pathogenic, at this time, the clinical significance of this variant is uncertain due to the absence of conclusive functional and genetic evidence.